The following is an entry in ClinVar:

NM_000124.4(ERCC6):c.1816A>T (p.Lys606Ter)

Gene: ERCC6 (ERCC excision repair 6, chromatin remodeling factor; minus strand). Cytogenetic location: 10q11.23.
Variant type: single nucleotide variant.
Coding change: c.1816A>T on transcript NM_000124.4 (MANE Select); coding-DNA position 1816, A replaced by T.
Protein change: p.Lys606Ter; replaces lysine 606 with a stop codon.
Molecular consequence: nonsense.
Genome position (GRCh38, 1-based): chr10:49,493,122, T>A on the plus strand (A>T on the coding strand, the complement: ERCC6 is on the minus strand). VCF-style: chr10-49493122-T-A. GRCh37 (hg19) VCF-style: chr10-50701168-T-A.
Other names: c.1816A>T, p.Lys606Ter (NM_001346440.2); short protein forms K606*.
Identifiers: ClinVar variation 984138 (VCV000984138.3), dbSNP rs961060711, ClinGen allele CA376726399.

ClinVar aggregate classification (germline): Likely pathogenic (1 of 4 stars; one submission).

Conditions:
Cockayne syndrome type 2 (CSB). Also called: Cockayne Syndrome, Type II; COCKAYNE SYNDROME B. Identifiers: Orphanet 191, Orphanet 90322, MedGen C0751038, MONDO:0019570, OMIM 133540.

Submission:

Myriad Genetics, Inc.
Classification: Likely pathogenic for Cockayne syndrome type 2. Last evaluated: 2019-02-05. Review status: criteria provided, single submitter. Criteria: Myriad Women's Health Autosomal Recessive and X-Linked Classification Criteria (2019). Collection method: clinical testing. Allele origin: unknown.
Comment: NM_000124.2(ERCC6):c.1816A>T(K606*) is expected to be pathogenic in the context of ERCC6-related disorders. This variant is predicted to lead to an abnormal or absent protein product due to the creation of a premature termination codon in ERCC6, a gene where loss-of-function variants are known to be pathogenic. Please note: this variant was assessed in the context of healthy population screening.